The following is an entry in ClinVar:

NM_001110556.2(FLNA):c.2767G>A (p.Val923Met)

Gene: FLNA (filamin A; minus strand). Cytogenetic location: Xq28.
Variant type: single nucleotide variant.
Coding change: c.2767G>A on transcript NM_001110556.2 (MANE Select); coding-DNA position 2767, G replaced by A.
Protein change: p.Val923Met; replaces valine 923 with methionine.
Molecular consequence: missense variant.
Genome position (GRCh38, 1-based): chrX:154,362,038, C>T on the plus strand (G>A on the coding strand, the complement: FLNA is on the minus strand). VCF-style: chrX-154362038-C-T. GRCh37 (hg19) VCF-style: chrX-153590406-C-T.
Other names: c.2767G>A, p.Val923Met (NM_001456.4); short protein forms V923M.
Identifiers: ClinVar variation 2923301 (VCV002923301.3), dbSNP rs2522747018, ClinGen allele CA415232742.
Genomic context (GRCh38, chrX:154,362,038, plus strand): 5'-CCTGCTGGACAGGCGTGTACTTGACTGTGTAGGTGTTGTCATGGTGGTCGATGATGTCCA[C>T]ATCTCGCACTGCATCCCCCTTGGTGAGTCCTGAGAACTGGACGTCCAGCTTGCCTTTGCC-3'
Protein context (NP_001104026.1, residues 913-933): GLTKGDAVRD[Val923Met]DIIDHHDNTY

ClinVar aggregate classification (germline): Uncertain significance (1 of 4 stars; one submission).

Conditions:
Oto-palato-digital syndrome, type II (OPD2). Also called: Otopalatodigital Syndrome Type 2 (FLNA-OPD2); FACIOPALATOOSSEOUS SYNDROME; OPD II SYNDROME; Otopalatodigital Syndrome, Type II. Identifiers: Orphanet 669, Orphanet 90652, MedGen C1844696, MONDO:0010571, OMIM 304120.
Heterotopia, periventricular, X-linked dominant (PVNH1). Also called: PERIVENTRICULAR NODULAR HETEROTOPIA 1; X-linked periventricular heterotopia; PERIVENTRICULAR NODULAR HETEROTOPIA 4; HETEROTOPIA, PERIVENTRICULAR, 1. Identifiers: Orphanet 2149, Orphanet 82004, MedGen C1848213, MONDO:0010233, OMIM 300049.
Melnick-Needles syndrome (MNS). Also called: Melnick-Needles Syndrome (FLNA-MNS); MELNICK-NEEDLES OSTEODYSPLASTY; OSTEODYSPLASTY OF MELNICK AND NEEDLES. Identifiers: Orphanet 2484, MedGen C0025237, MONDO:0010650, OMIM 309350.
Frontometaphyseal dysplasia (FMD1). Identifiers: Orphanet 1826, MedGen C0265293, MONDO:0015942.

Submission:

Labcorp Genetics (formerly Invitae), Labcorp
Classification: Uncertain significance for Oto-palato-digital syndrome, type II; Heterotopia, periventricular, X-linked dominant; Frontometaphyseal dysplasia; Melnick-Needles syndrome. Last evaluated: 2024-01-10. Review status: criteria provided, single submitter. Criteria: Invitae Variant Classification Sherloc (09022015). Collection method: clinical testing. Allele origin: germline.
Comment: This sequence change replaces valine, which is neutral and non-polar, with methionine, which is neutral and non-polar, at codon 923 of the FLNA protein (p.Val923Met). This variant is not present in population databases (gnomAD no frequency). This variant has not been reported in the literature in individuals affected with FLNA-related conditions. Advanced modeling of protein sequence and biophysical properties (such as structural, functional, and spatial information, amino acid conservation, physicochemical variation, residue mobility, and thermodynamic stability) performed at Invitae indicates that this missense variant is not expected to disrupt FLNA protein function with a negative predictive value of 95%. In summary, the available evidence is currently insufficient to determine the role of this variant in disease. Therefore, it has been classified as a Variant of Uncertain Significance.